The following is an entry in ClinVar:

ClinVar aggregate classification (germline): Uncertain significance (1 of 4 stars; one submission).

Conditions:
Hereditary cancer-predisposing syndrome. Also called: Neoplastic Syndromes, Hereditary; Tumor predisposition; Hereditary neoplastic syndrome; Hereditary Cancer Syndrome. Identifiers: Orphanet 140162, MedGen C0027672, MeSH D009386, MONDO:0015356.

Submission:

Ambry Genetics
Classification: Uncertain significance for Hereditary cancer-predisposing syndrome. Last evaluated: 2026-08-23. Review status: criteria provided, single submitter. Criteria: Ambry Variant Classification Scheme 2023. Collection method: clinical testing. Allele origin: germline.
Comment: The p.N68K variant (also known as c.204C>G), located in coding exon 1 of the MET gene, results from a C to G substitution at nucleotide position 204. The asparagine at codon 68 is replaced by lysine, an amino acid with similar properties. This amino acid position is conserved. In addition, this alteration is predicted to be tolerated by in silico analysis. Based on the available evidence, the clinical significance of this variant remains unclear.

NM_000245.4(MET):c.204C>G (p.Asn68Lys)

Gene: MET (MET proto-oncogene, receptor tyrosine kinase; plus strand). Cytogenetic location: 7q31.2.
Variant type: single nucleotide variant.
Coding change: c.204C>G on transcript NM_000245.4 (MANE Select); coding-DNA position 204, C replaced by G.
Protein change: p.Asn68Lys; replaces asparagine 68 with lysine.
Molecular consequence: missense variant. On other transcripts: intron variant (1).
Genome position (GRCh38, 1-based): chr7:116,699,288, C>G. VCF-style: chr7-116699288-C-G. GRCh37 (hg19) VCF-style: chr7-116339342-C-G.
Other names: c.204C>G, p.Asn68Lys (NM_001127500.3, NM_001324401.3); c.-91+26711C>G (NM_001324402.2); short protein forms N68K.
Identifiers: ClinVar variation 5024427 (VCV005024427.1).
Genomic context (GRCh38, chr7:116,699,288, plus strand): 5'-GGAAACACCCATCCAGAATGTCATTCTACATGAGCATCACATTTTCCTTGGTGCCACTAA[C>G]TACATTTATGTTTTAAATGAGGAAGACCTTCAGAAGGTTGCTGAGTACAAGACTGGGCCT-3'
Protein context (NP_000236.2, residues 58-78): HEHHIFLGAT[Asn68Lys]YIYVLNEEDL